The following is an entry in ClinVar:

ClinVar aggregate classification (germline): Conflicting classifications of pathogenicity. Review status: criteria provided, conflicting classifications (1 of 4 stars). 10 submissions from 10 submitters: Uncertain significance (1); Benign (1); Likely benign (4). 4 of the submissions do not count toward it. Last evaluated 2026-01-31.

Conditions:
Deficiency of alpha-mannosidase (MANSA). Also called: Alpha-Mannosidosis; Mannosidosis, alpha-, types I and II; LYSOSOMAL ALPHA-D-MANNOSIDASE DEFICIENCY. Identifiers: Orphanet 61, MedGen C0024748, MONDO:0009561, OMIM 248500.
MAN2B1-related disorder. Also called: MAN2B1-related condition.

Allele frequency attached by ClinVar (database versions not stated): gnomAD 0.00025; ESP Exome Variant Server 0.00069; TOPMed 0.00069.
gnomAD v4.1: 846 of 1,614,092 alleles (0.052%); highest among the groups gnomAD compares: Non-Finnish European, 0.036%; 1 homozygote.

Submissions (10):

Labcorp Genetics (formerly Invitae), Labcorp
Classification: Benign for Deficiency of alpha-mannosidase. Last evaluated: 2026-01-31. Review status: criteria provided, single submitter. Criteria: Invitae Variant Classification Sherloc (09022015). Collection method: clinical testing. Allele origin: germline.

CeGaT Center for Human Genetics Tuebingen
Classification: Likely benign. Last evaluated: 2025-11-01. Review status: criteria provided, single submitter. Criteria: CeGaT Center For Human Genetics Tuebingen Variant Classification Criteria Version 2. Collection method: clinical testing. Allele origin: germline. Affected: yes. Observed: 2 variant alleles.
Comment: MAN2B1: BP4, BP7

Blueprint Genetics
Classification: Likely benign. Last evaluated: 2024-11-11. Review status: criteria provided, single submitter. Criteria: ACMG Guidelines, 2015. Collection method: clinical testing. Allele origin: germline.

Mayo Clinic Laboratories, Mayo Clinic
Classification: Likely benign. Last evaluated: 2024-10-15. Review status: criteria provided, single submitter. Criteria: ACMG Guidelines, 2015. Collection method: clinical testing. Allele origin: germline. Observed: 1 variant allele.
Comment: BS1, BP4, BP7

Genome-Nilou Lab
Classification: Likely benign for Deficiency of alpha-mannosidase. Last evaluated: 2021-09-05. Review status: criteria provided, single submitter. Criteria: ACMG Guidelines, 2015. Collection method: clinical testing. Allele origin: germline. Affected: no.

Illumina Laboratory Services, Illumina
Classification: Uncertain significance for Deficiency of alpha-mannosidase. Last evaluated: 2018-01-13. Review status: criteria provided, single submitter. Criteria: ICSL Variant Classification Criteria 13 December 2019. Collection method: clinical testing. Allele origin: germline.

Natera, Inc.
Classification: Likely benign for Alpha-mannosidosis. Last evaluated: 2020-01-11. Review status: no assertion criteria provided. Collection method: clinical testing. Allele origin: germline. Not counted in ClinVar's aggregate classification.

PreventionGenetics, part of Exact Sciences
Classification: Likely benign for MAN2B1-related condition. Last evaluated: 2019-05-27. Review status: no assertion criteria provided. Collection method: clinical testing. Allele origin: germline. Not counted in ClinVar's aggregate classification.
Comment: This variant is classified as likely benign based on ACMG/AMP sequence variant interpretation guidelines (Richards et al. 2015 PMID: 25741868, with internal and published modifications).

Clinical Genetics DNA and cytogenetics Diagnostics Lab, Erasmus MC, Erasmus Medical Center
Classification: Likely benign. Review status: no assertion criteria provided. Collection method: clinical testing. Allele origin: germline. Affected: yes. Study: VKGL Data-share Consensus. Not counted in ClinVar's aggregate classification.

Clinical Genetics, Academic Medical Center
Classification: Benign. Review status: no assertion criteria provided. Collection method: clinical testing. Allele origin: germline. Affected: yes. Study: VKGL Data-share Consensus. Not counted in ClinVar's aggregate classification.

NM_000528.4(MAN2B1):c.1158G>A (p.Gln386=)

Gene: MAN2B1 (mannosidase alpha class 2B member 1; minus strand). Cytogenetic location: 19p13.13.
Variant type: single nucleotide variant.
Coding change: c.1158G>A on transcript NM_000528.4 (MANE Select); coding-DNA position 1158, G replaced by A.
Protein change: p.Gln386=; no amino-acid change (glutamine 386 retained).
Molecular consequence: synonymous variant.
Genome position (GRCh38, 1-based): chr19:12,658,296, C>T on the plus strand (G>A on the coding strand, the complement: MAN2B1 is on the minus strand). VCF-style: chr19-12658296-C-T. GRCh37 (hg19) VCF-style: chr19-12769110-C-T.
Other names: p.Gln386=; c.1155G>A, p.Gln385= (NM_001173498.2).
Identifiers: ClinVar variation 786566 (VCV000786566.32), dbSNP rs112829030, ClinGen allele CA9226563.